The following is an entry in ClinVar:

ClinVar aggregate classification (germline): Pathogenic (1 of 4 stars; one submission).

Conditions:
Neurofibromatosis, type 1 (NF1). Also called: VON RECKLINGHAUSEN DISEASE; NEUROFIBROMATOSIS, TYPE I, SOMATIC; Peripheral type neurofibromatosis; Neurofibromatosis, type I. Identifiers: Orphanet 636, MedGen C0027831, MONDO:0018975, OMIM 162200. Disease mechanism: loss of function.

Submission:

Labcorp Genetics (formerly Invitae), Labcorp
Classification: Pathogenic for Neurofibromatosis, type 1. Last evaluated: 2023-09-10. Review status: criteria provided, single submitter. Criteria: Invitae Variant Classification Sherloc (09022015). Collection method: clinical testing. Allele origin: germline.
Comment: This sequence change creates a premature translational stop signal (p.Arg2403Lysfs*8) in the NF1 gene. It is expected to result in an absent or disrupted protein product. Loss-of-function variants in NF1 are known to be pathogenic (PMID: 10712197, 23913538). This variant is not present in population databases (gnomAD no frequency). This variant has not been reported in the literature in individuals affected with NF1-related conditions. For these reasons, this variant has been classified as Pathogenic.

Literature cited by the submitters: PubMed 10712197; PubMed 23913538.

NM_001042492.3(NF1):c.7271del (p.Arg2424fs)

Gene: NF1 (neurofibromin 1; plus strand). Cytogenetic location: 17q11.2.
Variant type: Deletion.
Coding change: c.7271del on transcript NM_001042492.3 (MANE Select); coding-DNA position 7271, one base deleted (G; older notation c.7271delG).
Protein change: p.Arg2424fs; shifts the reading frame from arginine 2424.
Molecular consequence: frameshift variant.
Genome position (GRCh38, 1-based): chr17:31,349,201, G deleted. VCF-style (leftmost placement, unchanged base first): chr17-31349200-AG-A. GRCh37 (hg19) VCF-style: chr17-29676218-AG-A.
Other names: c.7208delG, p.Arg2403Lysfs (NM_000267.4); short protein forms R2424fs, R2403fs.
Identifiers: ClinVar variation 2759635 (VCV002759635.3), dbSNP rs2508801381, ClinGen allele CA2697559570.